The following is an entry in ClinVar:

ClinVar aggregate classification (germline): Pathogenic/Likely pathogenic. Review status: criteria provided, multiple submitters, no conflicts (2 of 4 stars). 3 submissions from 3 submitters: Pathogenic (2); Likely pathogenic (1). Last evaluated 2025-11-05.

Conditions:
Hereditary spherocytosis type 1. Also called: Spherocytosis type 1; ANK1-Related Spherocytosis. Identifiers: Orphanet 822, MedGen C2674218, MONDO:0008447, OMIM 182900.

Submissions (3):

Labcorp Genetics (formerly Invitae), Labcorp
Classification: Pathogenic. Last evaluated: 2025-11-05. Review status: criteria provided, single submitter. Criteria: Invitae Variant Classification Sherloc (09022015). Collection method: clinical testing. Allele origin: germline.
Comment: This sequence change creates a premature translational stop signal (p.Gly1459Alafs*22) in the ANK1 gene. It is expected to result in an absent or disrupted protein product. Loss-of-function variants in ANK1 are known to be pathogenic (PMID: 8640229). This variant is not present in population databases (gnomAD no frequency). This variant has not been reported in the literature in individuals affected with ANK1-related conditions. ClinVar contains an entry for this variant (Variation ID: 2673146). For these reasons, this variant has been classified as Pathogenic.

Revvity Omics, Revvity
Classification: Likely pathogenic for Hereditary spherocytosis type 1. Last evaluated: 2024-09-03. Review status: criteria provided, single submitter. Criteria: ACMG Guidelines, 2015. Collection method: clinical testing. Allele origin: germline.

CeGaT Center for Human Genetics Tuebingen
Classification: Pathogenic. Last evaluated: 2023-11-01. Review status: criteria provided, single submitter. Criteria: CeGaT Center For Human Genetics Tuebingen Variant Classification Criteria Version 2. Collection method: clinical testing. Allele origin: germline. Affected: yes. Observed: 1 variant allele.
Comment: ANK1: PVS1, PM2

Literature cited by the submitters: PubMed 8640229 (cited by Labcorp Genetics (formerly Invitae), Labcorp).

NM_000037.4(ANK1):c.4376del (p.Gly1459fs)

Gene: ANK1 (ankyrin 1; minus strand). Cytogenetic location: 8p11.21.
Variant type: Deletion.
Coding change: c.4376del on transcript NM_000037.4 (MANE Select); coding-DNA position 4376, one base deleted (G; older notation c.4376delG).
Protein change: p.Gly1459fs; shifts the reading frame from glycine 1459.
Molecular consequence: frameshift variant.
Genome position (GRCh38, 1-based): chr8:41,686,166, C deleted on the plus strand (G on the coding strand, the reverse complement: ANK1 is on the minus strand); the first of 2 consecutive C bases (chr8:41,686,166-41,686,167); deleting either gives the same sequence. VCF-style (leftmost placement, unchanged base first): chr8-41686165-GC-G. GRCh37 (hg19) VCF-style: chr8-41543683-GC-G.
Other names: c.4499del, p.Gly1500fs (NM_001142446.2); c.4376del, p.Gly1459fs (NM_020475.3, NM_020476.3, NM_020477.3); short protein forms G1459fs, G1500fs.
Identifiers: ClinVar variation 2673146 (VCV002673146.25), dbSNP rs2486728629, ClinGen allele CA2695199677.